The following is an entry in ClinVar:

ClinVar aggregate classification (germline): Likely benign. Review status: criteria provided, multiple submitters, no conflicts (2 of 4 stars). 5 submissions from 5 submitters: Likely benign (4). 1 of the submissions does not count toward it. Last evaluated 2025-12-24.

Conditions:
Ehlers-Danlos syndrome, dermatosparaxis type. Also called: Dermatosparaxis; Ehlers-Danlos syndrome, type VII, autosomal recessive; EDS VIIC. Identifiers: Orphanet 1901, MedGen C2700425, MONDO:0009161, OMIM 225410.

Allele frequency attached by ClinVar (database versions not stated): ExAC 0.00031; gnomAD 0.00004 and 0.00005; TOPMed 0.00005; gnomAD exomes 0.00006; ESP Exome Variant Server 0.00008.
gnomAD v4.1: 82 of 1,579,648 alleles (0.0052%); highest among the groups gnomAD compares: South Asian, 0.015%; no homozygotes.

Submissions (5):

Labcorp Genetics (formerly Invitae), Labcorp
Classification: Likely benign for Ehlers-Danlos syndrome, dermatosparaxis type. Last evaluated: 2025-12-24. Review status: criteria provided, single submitter. Criteria: Invitae Variant Classification Sherloc (09022015). Collection method: clinical testing. Allele origin: germline.

CeGaT Center for Human Genetics Tuebingen
Classification: Likely benign. Last evaluated: 2025-05-01. Review status: criteria provided, single submitter. Criteria: CeGaT Center For Human Genetics Tuebingen Variant Classification Criteria Version 2. Collection method: clinical testing. Allele origin: germline. Affected: yes. Observed: 1 variant allele.
Comment: ADAMTS2: BP4, BP7

Blueprint Genetics
Classification: Likely benign. Last evaluated: 2024-04-17. Review status: criteria provided, single submitter. Criteria: ACMG Guidelines, 2015. Collection method: clinical testing. Allele origin: germline.

GeneDx
Classification: Likely benign. Last evaluated: 2021-02-18. Review status: criteria provided, single submitter. Criteria: GeneDx Variant Classification Process June 2021. Collection method: clinical testing. Allele origin: germline. Affected: yes.

Natera, Inc.
Classification: Uncertain significance for Ehlers-Danlos syndrome type VIIC. Last evaluated: 2020-01-24. Review status: no assertion criteria provided. Collection method: clinical testing. Allele origin: germline. Not counted in ClinVar's aggregate classification.

NM_014244.5(ADAMTS2):c.1911C>T (p.Gly637=)

Gene: ADAMTS2 (ADAM metallopeptidase with thrombospondin type 1 motif 2; minus strand). Cytogenetic location: 5q35.3.
Variant type: single nucleotide variant.
Coding change: c.1911C>T on transcript NM_014244.5 (MANE Select); coding-DNA position 1911, C replaced by T.
Protein change: p.Gly637=; no amino-acid change (glycine 637 retained).
Molecular consequence: synonymous variant.
Genome position (GRCh38, 1-based): chr5:179,137,809, G>A on the plus strand (C>T on the coding strand, the complement: ADAMTS2 is on the minus strand). VCF-style: chr5-179137809-G-A. GRCh37 (hg19) VCF-style: chr5-178564810-G-A.
Identifiers: ClinVar variation 648379 (VCV000648379.20), dbSNP rs142275705, ClinGen allele CA3595747.